The following is an entry in ClinVar:

ClinVar aggregate classification (germline): Uncertain significance (1 of 4 stars; one submission).

gnomAD v4.1: 1 of 1,614,026 alleles (0.000062%); highest among the groups gnomAD compares: Admixed American, 0.0017%; no homozygotes.

Submission:

Labcorp Genetics (formerly Invitae), Labcorp
Classification: Uncertain significance. Last evaluated: 2024-04-10. Review status: criteria provided, single submitter. Criteria: Invitae Variant Classification Sherloc (09022015). Collection method: clinical testing. Allele origin: germline.
Comment: This sequence change replaces threonine, which is neutral and polar, with serine, which is neutral and polar, at codon 35 of the TNFRSF11A protein (p.Thr35Ser). This variant is present in population databases (no rsID available, gnomAD 0.003%). This variant has not been reported in the literature in individuals affected with TNFRSF11A-related conditions. ClinVar contains an entry for this variant (Variation ID: 2065345). Algorithms developed to predict the effect of missense changes on protein structure and function output the following: SIFT: "Not Available"; PolyPhen-2: "Benign"; Align-GVGD: "Not Available". The serine amino acid residue is found in multiple mammalian species, which suggests that this missense change does not adversely affect protein function. In summary, the available evidence is currently insufficient to determine the role of this variant in disease. Therefore, it has been classified as a Variant of Uncertain Significance.

NM_003839.4(TNFRSF11A):c.104C>G (p.Thr35Ser)

Gene: TNFRSF11A (TNF receptor superfamily member 11a; plus strand). Cytogenetic location: 18q21.33.
Variant type: single nucleotide variant.
Coding change: c.104C>G on transcript NM_003839.4 (MANE Select); coding-DNA position 104, C replaced by G.
Protein change: p.Thr35Ser; replaces threonine 35 with serine.
Molecular consequence: missense variant.
Genome position (GRCh38, 1-based): chr18:62,348,196, C>G. VCF-style: chr18-62348196-C-G. GRCh37 (hg19) VCF-style: chr18-60015429-C-G.
Other names: c.104C>G, p.Thr35Ser (NM_001270950.2, NM_001270951.2, NM_001278268.2 and 1 more transcripts); short protein forms T35S.
Identifiers: ClinVar variation 2065345 (VCV002065345.4), dbSNP rs1444245437, ClinGen allele CA402609776.